The following is an entry in ClinVar:

ClinVar aggregate classification (germline): Likely benign (0 of 4 stars; one submission).

Conditions:
HERC2-related disorder. Also called: HERC2-related condition.

gnomAD v4.1: 19 of 1,601,808 alleles (0.0012%); highest among the groups gnomAD compares: African/African-American, 0.024%; no homozygotes.

Submission:

PreventionGenetics, part of Exact Sciences
Classification: Likely benign for HERC2-related condition. Last evaluated: 2024-08-15. Review status: no assertion criteria provided. Collection method: clinical testing. Allele origin: germline.
Comment: This variant is classified as likely benign based on ACMG/AMP sequence variant interpretation guidelines (Richards et al. 2015 PMID: 25741868, with internal and published modifications).

NM_004667.6(HERC2):c.3405A>G (p.Pro1135=)

Gene: HERC2 (HECT and RLD domain containing E3 ubiquitin protein ligase 2; minus strand). Cytogenetic location: 15q13.1.
Variant type: single nucleotide variant.
Coding change: c.3405A>G on transcript NM_004667.6 (MANE Select); coding-DNA position 3405, A replaced by G.
Protein change: p.Pro1135=; no amino-acid change (proline 1135 retained).
Molecular consequence: synonymous variant.
Genome position (GRCh38, 1-based): chr15:28,246,053, T>C on the plus strand (A>G on the coding strand, the complement: HERC2 is on the minus strand). VCF-style: chr15-28246053-T-C. GRCh37 (hg19) VCF-style: chr15-28491199-T-C.
Identifiers: ClinVar variation 3351470 (VCV003351470.1).